The following is an entry in ClinVar:

NM_032447.5(FBN3):c.1920C>G (p.Ser640=)

Gene: FBN3 (fibrillin 3; minus strand). Cytogenetic location: 19p13.2.
Variant type: single nucleotide variant.
Coding change: c.1920C>G on transcript NM_032447.5 (MANE Select); coding-DNA position 1920, C replaced by G.
Protein change: p.Ser640=; no amino-acid change (serine 640 retained).
Molecular consequence: synonymous variant.
Genome position (GRCh38, 1-based): chr19:8,131,624, G>C on the plus strand (C>G on the coding strand, the complement: FBN3 is on the minus strand). VCF-style: chr19-8131624-G-C. GRCh37 (hg19) VCF-style: chr19-8196508-G-C.
Other names: c.1920C>G, p.Ser640= (NM_001321431.2); c.1920C>G (NM_001321431.1).
Identifiers: ClinVar variation 1600060 (VCV001600060.11), dbSNP rs12974280, ClinGen allele CA9153115.

ClinVar aggregate classification (germline): Benign. Review status: criteria provided, multiple submitters, no conflicts (2 of 4 stars). 3 submissions from 3 submitters: Benign (2). 1 of the submissions does not count toward it. Last evaluated 2026-02-04.

Conditions:
FBN3-related disorder. Also called: FBN3-related condition.

Allele frequency attached by ClinVar (database versions not stated): TOPMed 0.27146; ExAC 0.29675; 1000 Genomes Project 30x 0.17926; 1000 Genomes Project 0.18151; gnomAD 0.27999 and 0.28353; ESP Exome Variant Server 0.30909.
gnomAD v4.1: 552,552 of 1,613,934 alleles (34%); highest among the groups gnomAD compares: Non-Finnish European, 38%; 101,145 homozygotes.

Submissions (3):

Labcorp Genetics (formerly Invitae), Labcorp
Classification: Benign. Last evaluated: 2026-02-04. Review status: criteria provided, single submitter. Criteria: Invitae Variant Classification Sherloc (09022015). Collection method: clinical testing. Allele origin: germline.

Breakthrough Genomics
Classification: Benign. Review status: criteria provided, single submitter. Criteria: ACMG Guidelines, 2015. Collection method: not provided. Allele origin: germline. Inheritance: Unknown mechanism. Affected: yes.

PreventionGenetics, part of Exact Sciences
Classification: Benign for FBN3-related condition. Last evaluated: 2019-10-17. Review status: no assertion criteria provided. Collection method: clinical testing. Allele origin: germline. Not counted in ClinVar's aggregate classification.
Comment: This variant is classified as benign based on ACMG/AMP sequence variant interpretation guidelines (Richards et al. 2015 PMID: 25741868, with internal and published modifications).